The following is an entry in ClinVar:

ClinVar aggregate classification (germline): Uncertain significance (1 of 4 stars; one submission).

Submission:

Labcorp Genetics (formerly Invitae), Labcorp
Classification: Uncertain significance. Last evaluated: 2021-09-06. Review status: criteria provided, single submitter. Criteria: Invitae Variant Classification Sherloc (09022015). Collection method: clinical testing. Allele origin: germline.
Comment: This sequence change replaces serine with glycine at codon 191 of the RAB39B protein (p.Ser191Gly). The serine residue is highly conserved and there is a small physicochemical difference between serine and glycine. This variant is not present in population databases (ExAC no frequency). This variant has not been reported in the literature in individuals affected with RAB39B-related conditions. Advanced modeling of protein sequence and biophysical properties (such as structural, functional, and spatial information, amino acid conservation, physicochemical variation, residue mobility, and thermodynamic stability) performed at Invitae indicates that this missense variant is not expected to disrupt RAB39B protein function. In summary, the available evidence is currently insufficient to determine the role of this variant in disease. Therefore, it has been classified as a Variant of Uncertain Significance.

NM_171998.4(RAB39B):c.571A>G (p.Ser191Gly)

Gene: RAB39B (RAB39B, member RAS oncogene family; minus strand). Cytogenetic location: Xq28.
Variant type: single nucleotide variant.
Coding change: c.571A>G on transcript NM_171998.4 (MANE Select); coding-DNA position 571, A replaced by G.
Protein change: p.Ser191Gly; replaces serine 191 with glycine.
Molecular consequence: missense variant.
Genome position (GRCh38, 1-based): chrX:155,260,874, T>C on the plus strand (A>G on the coding strand, the complement: RAB39B is on the minus strand). VCF-style: chrX-155260874-T-C. GRCh37 (hg19) VCF-style: chrX-154490159-T-C.
Other names: short protein forms S191G.
Identifiers: ClinVar variation 1379912 (VCV001379912.6), dbSNP rs1716985931, ClinGen allele CA414923722.